The following is an entry in ClinVar:

ClinVar aggregate classification (germline): Uncertain significance (1 of 4 stars; one submission).

Allele frequency attached by ClinVar (database versions not stated): TOPMed below 0.00001; ExAC 0.00001; gnomAD 0.00001.
gnomAD v4.1: 9 of 1,613,854 alleles (0.00056%); highest among the groups gnomAD compares: Middle Eastern, 0.016%; no homozygotes.

Submission:

Labcorp Genetics (formerly Invitae), Labcorp
Classification: Uncertain significance. Last evaluated: 2022-06-30. Review status: criteria provided, single submitter. Criteria: Invitae Variant Classification Sherloc (09022015). Collection method: clinical testing. Allele origin: germline.
Comment: This sequence change replaces alanine, which is neutral and non-polar, with glycine, which is neutral and non-polar, at codon 40 of the FAM161A protein (p.Ala40Gly). This variant is present in population databases (rs772690254, gnomAD 0.002%). This variant has not been reported in the literature in individuals affected with FAM161A-related conditions. Algorithms developed to predict the effect of missense changes on protein structure and function (SIFT, PolyPhen-2, Align-GVGD) all suggest that this variant is likely to be tolerated. In summary, the available evidence is currently insufficient to determine the role of this variant in disease. Therefore, it has been classified as a Variant of Uncertain Significance.

NM_001201543.2(FAM161A):c.119C>G (p.Ala40Gly)

Genes: FAM161A (FAM161 centrosomal protein A; minus strand), LOC129933843 (ATAC-STARR-seq lymphoblastoid active region 15839; plus strand). Cytogenetic location: 2p15.
Variant type: single nucleotide variant.
Coding change: c.119C>G on transcript NM_001201543.2 (MANE Select); coding-DNA position 119, C replaced by G.
Protein change: p.Ala40Gly; replaces alanine 40 with glycine.
Molecular consequence: missense variant. On other transcripts: non-coding transcript variant (1).
Genome position (GRCh38, 1-based): chr2:61,853,923, G>C on the plus strand (C>G on the coding strand, the complement: FAM161A is on the minus strand). VCF-style: chr2-61853923-G-C. GRCh37 (hg19) VCF-style: chr2-62081058-G-C.
Other names: c.119C>G, p.Ala40Gly (NM_032180.3); short protein forms A40G.
Identifiers: ClinVar variation 2187558 (VCV002187558.1), dbSNP rs772690254, ClinGen allele CA1679444.